The following is an entry in ClinVar:

ClinVar aggregate classification (germline): Uncertain significance (1 of 4 stars; one submission).

Conditions:
Werner syndrome (WRN). Identifiers: Orphanet 902, MedGen C0043119, MONDO:0010196, OMIM 277700.

Submission:

Labcorp Genetics (formerly Invitae), Labcorp
Classification: Uncertain significance for Werner syndrome. Last evaluated: 2025-01-06. Review status: criteria provided, single submitter. Criteria: Invitae Variant Classification Sherloc (09022015). Collection method: clinical testing. Allele origin: germline.
Comment: This sequence change replaces valine, which is neutral and non-polar, with phenylalanine, which is neutral and non-polar, at codon 1218 of the WRN protein (p.Val1218Phe). This variant is not present in population databases (gnomAD no frequency). This variant has not been reported in the literature in individuals affected with WRN-related conditions. An algorithm developed to predict the effect of missense changes on protein structure and function (PolyPhen-2) suggests that this variant is likely to be disruptive. In summary, the available evidence is currently insufficient to determine the role of this variant in disease. Therefore, it has been classified as a Variant of Uncertain Significance.

NM_000553.6(WRN):c.3652G>T (p.Val1218Phe)

Gene: WRN (WRN RecQ like helicase; plus strand). Cytogenetic location: 8p12.
Variant type: single nucleotide variant.
Coding change: c.3652G>T on transcript NM_000553.6 (MANE Select); coding-DNA position 3652, G replaced by T.
Protein change: p.Val1218Phe; replaces valine 1218 with phenylalanine.
Molecular consequence: missense variant.
Genome position (GRCh38, 1-based): chr8:31,150,420, G>T. VCF-style: chr8-31150420-G-T. GRCh37 (hg19) VCF-style: chr8-31007936-G-T.
Other names: short protein forms V1218F.
Identifiers: ClinVar variation 3669798 (VCV003669798.2).